The following is an entry in ClinVar:

NM_001042432.2(CLN3):c.206C>T (p.Ser69Leu)

Gene: CLN3 (CLN3 lysosomal/endosomal transmembrane protein, battenin; minus strand). Cytogenetic location: 16p12.1.
Variant type: single nucleotide variant.
Coding change: c.206C>T on transcript NM_001042432.2 (MANE Select); coding-DNA position 206, C replaced by T.
Protein change: p.Ser69Leu; replaces serine 69 with leucine.
Molecular consequence: missense variant. On other transcripts: 5 prime UTR variant (1).
Genome position (GRCh38, 1-based): chr16:28,489,306, G>A on the plus strand (C>T on the coding strand, the complement: CLN3 is on the minus strand). VCF-style: chr16-28489306-G-A. GRCh37 (hg19) VCF-style: chr16-28500627-G-A.
Other names: p.S69L:TCG>TTG; c.206C>T, p.Ser69Leu (NM_000086.2, NM_001286104.2); c.-15C>T (NM_001286105.2); c.44C>T, p.Ser15Leu (NM_001286109.2, NM_001286110.2); short protein forms S69L, S15L.
Identifiers: ClinVar variation 205104 (VCV000205104.24), dbSNP rs769840061, ClinGen allele CA313767.

ClinVar aggregate classification (germline): Uncertain significance. Review status: criteria provided, multiple submitters, no conflicts (2 of 4 stars). 10 submissions from 10 submitters: Uncertain significance (10). Last evaluated 2025-08-12.

Conditions:
Inborn genetic diseases. Identifiers: MedGen C0950123, MeSH D030342.
Neuronal ceroid lipofuscinosis. Also called: Neuronal Ceroid Lipofuscinoses. Identifiers: Orphanet 216, Orphanet 79263, MedGen C0027877, MONDO:0016295. Disease mechanism: loss of function.
Neuronal ceroid lipofuscinosis 3 (CLN3). Identifiers: Orphanet 228346, MedGen C0751383, MONDO:0008767, OMIM 204200.

Allele frequency attached by ClinVar (database versions not stated): TOPMed 0.00002; gnomAD 0.00003 and 0.00004; ExAC 0.00004; gnomAD exomes 0.00006.
gnomAD v4.1: 77 of 1,612,934 alleles (0.0048%); highest among the groups gnomAD compares: Middle Eastern, 0.51%; no homozygotes.

Submissions (10):

Women's Health and Genetics/Laboratory Corporation of America, LabCorp
Classification: Uncertain significance. Last evaluated: 2025-08-12. Review status: criteria provided, single submitter. Criteria: LabCorp Variant Classification Summary - May 2015. Collection method: clinical testing. Allele origin: germline.
Comment: Variant summary: CLN3 c.206C>T (p.Ser69Leu) results in a non-conservative amino acid change in the encoded protein sequence. Algorithms developed to predict the effect of missense changes on protein structure and function are either unavailable or do not agree on the potential impact of this missense change. The variant allele was found at a frequency of 5.6e-05 in 249602 control chromosomes (gnomAD). This frequency is not significantly higher than estimated for a pathogenic variant in CLN3 causing Neuronal Ceroid-Lipofuscinosis (Batten Disease) (5.6e-05 vs 0.0016), allowing no conclusion about variant significance. c.206C>T has been observed in at-least one individual affected with inherited retinal degeneration, without evidence for causality (Zampaglione_2020). These report(s) do not provide unequivocal conclusions about association of the variant with Neuronal Ceroid-Lipofuscinosis (Batten Disease). To our knowledge, no experimental evidence demonstrating an impact on protein function has been reported. The following publication has been ascertained in the context of this evaluation (PMID: 32037395). ClinVar contains an entry for this variant (Variation ID: 205104). Based on the evidence outlined above, the variant was classified as uncertain significance.

Genomic Medicine Center of Excellence, King Faisal Specialist Hospital and Research Centre
Classification: Uncertain significance for Neuronal ceroid lipofuscinosis 3. Last evaluated: 2024-12-19. Review status: criteria provided, single submitter. Criteria: ACMG Guidelines, 2015. Collection method: clinical testing. Allele origin: germline.

Blueprint Genetics
Classification: Uncertain significance. Last evaluated: 2024-11-26. Review status: criteria provided, single submitter. Criteria: ACMG Guidelines, 2015. Collection method: clinical testing. Allele origin: germline.

Labcorp Genetics (formerly Invitae), Labcorp
Classification: Uncertain significance for Neuronal ceroid lipofuscinosis. Last evaluated: 2022-08-23. Review status: criteria provided, single submitter. Criteria: Invitae Variant Classification Sherloc (09022015). Collection method: clinical testing. Allele origin: germline.
Comment: This sequence change replaces serine, which is neutral and polar, with leucine, which is neutral and non-polar, at codon 69 of the CLN3 protein (p.Ser69Leu). This variant is present in population databases (rs769840061, gnomAD 0.02%). This missense change has been observed in individual(s) with clinical features of CLN3-related conditions (PMID: 32037395). ClinVar contains an entry for this variant (Variation ID: 205104). Algorithms developed to predict the effect of missense changes on protein structure and function (SIFT, PolyPhen-2, Align-GVGD) all suggest that this variant is likely to be tolerated. In summary, the available evidence is currently insufficient to determine the role of this variant in disease. Therefore, it has been classified as a Variant of Uncertain Significance.

Genome-Nilou Lab
Classification: Uncertain significance for Neuronal ceroid lipofuscinosis 3. Last evaluated: 2021-09-05. Review status: criteria provided, single submitter. Criteria: ACMG Guidelines, 2015. Collection method: clinical testing. Allele origin: germline. Affected: no.

Baylor Genetics
Classification: Uncertain significance for Neuronal ceroid lipofuscinosis 3. Last evaluated: 2020-07-08. Review status: criteria provided, single submitter. Criteria: ACMG Guidelines, 2015. Collection method: clinical testing. Allele origin: unknown. Affected: yes.
Comment: This variant was determined to be of uncertain significance according to ACMG Guidelines, 2015 [PMID:25741868].

GeneDx
Classification: Uncertain significance. Last evaluated: 2019-08-07. Review status: criteria provided, single submitter. Criteria: GeneDx Variant Classification Process June 2021. Collection method: clinical testing. Allele origin: germline. Affected: yes.
Comment: In silico analysis, which includes protein predictors and evolutionary conservation, supports a deleterious effect; Has not been previously published as pathogenic or benign to our knowledge; This variant is associated with the following publications: (PMID: 32037395)

Mayo Clinic Laboratories, Mayo Clinic
Classification: Uncertain significance. Last evaluated: 2019-07-08. Review status: criteria provided, single submitter. Criteria: ACMG Guidelines, 2015. Collection method: clinical testing. Allele origin: germline. Observed: 1 variant allele.

Ambry Genetics
Classification: Uncertain significance for Inborn genetic diseases. Last evaluated: 2017-01-23. Review status: criteria provided, single submitter. Criteria: Ambry Variant Classification Scheme 2023. Collection method: clinical testing. Allele origin: germline.
Comment: The p.S69L variant (also known as c.206C>T), located in coding exon 3 of the CLN3 gene, results from a C to T substitution at nucleotide position 206. The serine at codon 69 is replaced by leucine, an amino acid with dissimilar properties. This amino acid position is not well conserved in available vertebrate species. In addition, the in silico prediction for this alteration is inconclusive. Since supporting evidence is limited at this time, the clinical significance of this alteration remains unclear.

Breakthrough Genomics
Classification: Uncertain significance. Review status: criteria provided, single submitter. Criteria: ACMG Guidelines, 2015. Collection method: not provided. Allele origin: germline. Inheritance: Autosomal recessive inheritance. Affected: yes.

Literature cited by the submitters: PubMed 32037395 (cited by Women's Health and Genetics/Laboratory Corporation of America, LabCorp and Labcorp Genetics (formerly Invitae), Labcorp).